The following is an entry in ClinVar:

ClinVar aggregate classification (germline): Uncertain significance (1 of 4 stars; one submission).

Submission:

GeneDx
Classification: Uncertain significance. Last evaluated: 2023-03-20. Review status: criteria provided, single submitter. Criteria: GeneDx Variant Classification Process June 2021. Collection method: clinical testing. Allele origin: germline. Affected: yes.
Comment: Not observed at significant frequency in large population cohorts (gnomAD); In silico analysis supports that this missense variant has a deleterious effect on protein structure/function; Has not been previously published as pathogenic or benign to our knowledge

NM_003221.4(TFAP2B):c.757G>T (p.Val253Phe)

Gene: TFAP2B (transcription factor AP-2 beta; plus strand). Cytogenetic location: 6p12.3.
Variant type: single nucleotide variant.
Coding change: c.757G>T on transcript NM_003221.4 (MANE Select); coding-DNA position 757, G replaced by T.
Protein change: p.Val253Phe; replaces valine 253 with phenylalanine.
Molecular consequence: missense variant.
Genome position (GRCh38, 1-based): chr6:50,836,216, G>T. VCF-style: chr6-50836216-G-T. GRCh37 (hg19) VCF-style: chr6-50803929-G-T.
Other names: short protein forms V253F.
Identifiers: ClinVar variation 2580390 (VCV002580390.1), dbSNP rs2533143515, ClinGen allele CA364414983.